The following is an entry in ClinVar:

ClinVar aggregate classification (germline): Uncertain significance (1 of 4 stars; one submission).

Conditions:
Saldino-Mainzer syndrome (SRTD9). Also called: CONORENAL SYNDROME; Renal dysplasia, retinal pigmentary dystrophy, cerebellar ataxia and skeletal dysplasia; SHORT-RIB THORACIC DYSPLASIA 9 WITHOUT POLYDACTYLY; short-rib thoracic dysplasia 9 with or without polydactyly. Identifiers: Orphanet 140969, MedGen C1849437, MONDO:0009964, OMIM 266920.

Submission:

Labcorp Genetics (formerly Invitae), Labcorp
Classification: Uncertain significance for Saldino-Mainzer syndrome. Last evaluated: 2025-11-22. Review status: criteria provided, single submitter. Criteria: Invitae Variant Classification Sherloc (09022015). Collection method: clinical testing. Allele origin: germline.
Comment: This sequence change replaces alanine, which is neutral and non-polar, with glutamic acid, which is acidic and polar, at codon 437 of the IFT140 protein (p.Ala437Glu). This variant is not present in population databases (gnomAD no frequency). This variant has not been reported in the literature in individuals affected with IFT140-related conditions. Invitae Evidence Modeling of protein sequence and biophysical properties (such as structural, functional, and spatial information, amino acid conservation, physicochemical variation, residue mobility, and thermodynamic stability) indicates that this missense variant is not expected to disrupt IFT140 protein function with a negative predictive value of 95%. In summary, the available evidence is currently insufficient to determine the role of this variant in disease. Therefore, it has been classified as a Variant of Uncertain Significance.

NM_014714.4(IFT140):c.1310C>A (p.Ala437Glu)

Genes: IFT140 (intraflagellar transport 140; minus strand), LOC105371046 (uncharacterized LOC105371046; plus strand). Cytogenetic location: 16p13.3.
Variant type: single nucleotide variant.
Coding change: c.1310C>A on transcript NM_014714.4 (MANE Select); coding-DNA position 1310, C replaced by A.
Protein change: p.Ala437Glu; replaces alanine 437 with glutamic acid.
Molecular consequence: missense variant.
Genome position (GRCh38, 1-based): chr16:1,584,266, G>T on the plus strand (C>A on the coding strand, the complement: IFT140 is on the minus strand). VCF-style: chr16-1584266-G-T. GRCh37 (hg19) VCF-style: chr16-1634267-G-T.
Other names: short protein forms A437E.
Identifiers: ClinVar variation 4781338 (VCV004781338.1).